The following is an entry in ClinVar:

ClinVar aggregate classification (germline): Conflicting classifications of pathogenicity. Review status: criteria provided, conflicting classifications (1 of 4 stars). 6 submissions from 6 submitters: Likely pathogenic (1); Uncertain significance (5). Last evaluated 2026-08-01.

Conditions:
Familial adenomatous polyposis 2. Also called: FAP type 2; MYH-associated polyposis; Adenomas, multiple colorectal; MUTYH-associated polyposis; MUTYH Polyposis; MUTYH-related attenuated familial adenomatous polyposis. Identifiers: Orphanet 220460, Orphanet 247798, MedGen C3272841, MONDO:0012041, OMIM 608456.
Gastric cancer. Also called: Stomach cancer; Malignant tumor of stomach. Identifiers: MedGen C0024623, MeSH D013274, MONDO:0001056, OMIM 613659, HP:0012126.
MUTYH-related disorder. Also called: MUTYH-related disorders; MUTYH-related condition.
Hereditary cancer-predisposing syndrome. Also called: Neoplastic Syndromes, Hereditary; Tumor predisposition; Hereditary Cancer Syndrome; Hereditary neoplastic syndrome. Identifiers: Orphanet 140162, MedGen C0027672, MeSH D009386, MONDO:0015356.

Submissions (6):

PreventionGenetics, part of Exact Sciences
Classification: Uncertain significance for MUTYH-related condition. Last evaluated: 2026-08-01. Review status: criteria provided, single submitter. Criteria: ACMG Guidelines, 2015. Collection method: clinical testing. Allele origin: germline.
Comment: The MUTYH c.1255G>C variant is predicted to result in the amino acid substitution p.Ala419Pro. To our knowledge, this variant has not been reported in the literature or in a large population database (gnomAD), indicating it is rare. It has conflicting interpretations in ClinVar ranging from likely pathogenic to uncertain (Variation ID: 216518). At this time, the clinical significance of this variant is uncertain due to the absence of conclusive functional and genetic evidence.

Labcorp Genetics (formerly Invitae), Labcorp
Classification: Uncertain significance for Familial adenomatous polyposis 2. Last evaluated: 2025-10-18. Review status: criteria provided, single submitter. Criteria: Invitae Variant Classification Sherloc (09022015). Collection method: clinical testing. Allele origin: germline.
Comment: This sequence change replaces alanine, which is neutral and non-polar, with proline, which is neutral and non-polar, at codon 419 of the MUTYH protein (p.Ala419Pro). This variant is not present in population databases (gnomAD no frequency). This missense change has been observed in individual(s) with MUTYH-associated polyposis (internal data). In at least one individual the data is consistent with being in trans (on the opposite chromosome) from a pathogenic variant. ClinVar contains an entry for this variant (Variation ID: 216518). An algorithm developed to predict the effect of missense changes on protein structure and function (PolyPhen-2) suggests that this variant is likely to be tolerated. In summary, the available evidence is currently insufficient to determine the role of this variant in disease. Therefore, it has been classified as a Variant of Uncertain Significance.

Ambry Genetics
Classification: Uncertain significance for Hereditary cancer-predisposing syndrome. Last evaluated: 2025-02-02. Review status: criteria provided, single submitter. Criteria: Ambry Variant Classification Scheme 2023. Collection method: clinical testing. Allele origin: germline.
Comment: The p.A419P variant (also known as c.1255G>C), located in coding exon 13 of the MUTYH gene, results from a G to C substitution at nucleotide position 1255. The alanine at codon 419 is replaced by proline, an amino acid with highly similar properties. This amino acid position is not well conserved in available vertebrate species. In addition, the in silico prediction for this alteration is inconclusive. Since supporting evidence is limited at this time, the clinical significance of this alteration remains unclear.

Department of Pathology and Laboratory Medicine, Sinai Health System
Classification: Uncertain significance for Familial adenomatous polyposis 2; Gastric cancer. Last evaluated: 2023-11-21. Review status: criteria provided, single submitter. Criteria: ACMG Guidelines, 2015. Collection method: clinical testing. Allele origin: germline. Affected: yes.

All of Us Research Program, National Institutes of Health
Classification: Uncertain significance for Familial adenomatous polyposis 2. Last evaluated: 2023-03-28. Review status: criteria provided, single submitter. Criteria: ACMG Guidelines, 2015. Collection method: clinical testing. Allele origin: germline. Inheritance: Autosomal recessive inheritance. Observed: 1 variant allele, 1 heterozygote.
Comment: This study involves interpretation of variants in research participants for the purpose of population health screening. Participant phenotype was not available at the time of variant classification. Additional details can be found in publication PMID: 35346344, PMCID: PMC8962531

GeneDx
Classification: Likely pathogenic. Last evaluated: 2019-05-08. Review status: criteria provided, single submitter. Criteria: GeneDx Variant Classification Process June 2021. Collection method: clinical testing. Allele origin: germline. Affected: yes.
Comment: Not observed in large population cohorts (Lek et al., 2016); Has not been previously published as pathogenic or benign to our knowledge

NM_001048174.2(MUTYH):c.1171G>C (p.Ala391Pro)

Gene: MUTYH (mutY DNA glycosylase; minus strand). Cytogenetic location: 1p34.1.
Variant type: single nucleotide variant.
Coding change: c.1171G>C on transcript NM_001048174.2 (MANE Select); coding-DNA position 1171, G replaced by C.
Protein change: p.Ala391Pro; replaces alanine 391 with proline.
Molecular consequence: missense variant. On other transcripts: non-coding transcript variant (2).
Genome position (GRCh38, 1-based): chr1:45,331,488, C>G on the plus strand (G>C on the coding strand, the complement: MUTYH is on the minus strand). VCF-style: chr1-45331488-C-G. GRCh37 (hg19) VCF-style: chr1-45797160-C-G.
Other names: c.1171G>C, p.Ala391Pro (NM_001048171.2, NM_001048173.2, NM_001293195.2); c.1174G>C, p.Ala392Pro (NM_001048172.2); c.1255G>C, p.Ala419Pro (NM_001128425.2); c.1216G>C, p.Ala406Pro (NM_001293190.2); c.1204G>C, p.Ala402Pro (NM_001293191.2); c.895G>C, p.Ala299Pro (NM_001293192.2, NM_001293196.2); c.826G>C, p.Ala276Pro (NM_001350650.2, NM_001350651.2); c.1246G>C, p.Ala416Pro (NM_012222.3); short protein forms A419P, A391P, A392P, A406P, A416P, A299P, A402P, A276P.
Identifiers: ClinVar variation 216518 (VCV000216518.22), dbSNP rs587780744, ClinGen allele CA339462.